The following is an entry in ClinVar:

NM_015272.5(RPGRIP1L):c.1574A>G (p.Asp525Gly)

Gene: RPGRIP1L (RPGRIP1 like; minus strand). Cytogenetic location: 16q12.2.
Variant type: single nucleotide variant.
Coding change: c.1574A>G on transcript NM_015272.5 (MANE Select); coding-DNA position 1574, A replaced by G.
Protein change: p.Asp525Gly; replaces aspartic acid 525 with glycine.
Molecular consequence: missense variant.
Genome position (GRCh38, 1-based): chr16:53,657,460, T>C on the plus strand (A>G on the coding strand, the complement: RPGRIP1L is on the minus strand). VCF-style: chr16-53657460-T-C. GRCh37 (hg19) VCF-style: chr16-53691372-T-C.
Other names: c.1574A>G, p.Asp525Gly (NM_001127897.4, NM_001308334.3, NM_001330538.2); short protein forms D525G.
Identifiers: ClinVar variation 838154 (VCV000838154.8), dbSNP rs371841392, ClinGen allele CA8057772.

ClinVar aggregate classification (germline): Uncertain significance. Review status: criteria provided, multiple submitters, no conflicts (2 of 4 stars). 3 submissions from 3 submitters: Uncertain significance (2). 1 of the submissions does not count toward it. Last evaluated 2022-07-11.

Conditions:
COACH syndrome 3. Identifiers: MedGen C5436841, MONDO:0030862, OMIM 619113.
Joubert syndrome 7 (JBTS7). Identifiers: Orphanet 220497, MedGen C1969053, MONDO:0012694, OMIM 611560.
Meckel syndrome, type 5 (MKS5). Identifiers: Orphanet 564, MedGen C1969052, MONDO:0012695, OMIM 611561.
Meckel-Gruber syndrome. Also called: DYSENCEPHALIA SPLANCHNOCYSTICA; GRUBER SYNDROME; Dysencephalia splachnocystica. Identifiers: Orphanet 564, MedGen C0265215, MONDO:0018921.
Joubert syndrome. Also called: CEREBELLOPARENCHYMAL DISORDER IV; JOUBERT-BOLTSHAUSER SYNDROME; Familial aplasia of the vermis. Identifiers: Orphanet 475, MedGen C5979921, MONDO:0018772.

Allele frequency attached by ClinVar (database versions not stated): gnomAD exomes 0.00001; ExAC 0.00002.
gnomAD v4.1: 6 of 1,605,466 alleles (0.00037%); highest among the groups gnomAD compares: South Asian, 0.0044%; no homozygotes.

Submissions (3):

Labcorp Genetics (formerly Invitae), Labcorp
Classification: Uncertain significance for Joubert syndrome; Meckel-Gruber syndrome. Last evaluated: 2022-07-11. Review status: criteria provided, single submitter. Criteria: Invitae Variant Classification Sherloc (09022015). Collection method: clinical testing. Allele origin: germline.
Comment: This sequence change replaces aspartic acid, which is acidic and polar, with glycine, which is neutral and non-polar, at codon 525 of the RPGRIP1L protein (p.Asp525Gly). This variant is present in population databases (rs371841392, gnomAD 0.007%). This variant has not been reported in the literature in individuals affected with RPGRIP1L-related conditions. ClinVar contains an entry for this variant (Variation ID: 838154). Algorithms developed to predict the effect of missense changes on protein structure and function are either unavailable or do not agree on the potential impact of this missense change (SIFT: "Tolerated"; PolyPhen-2: "Possibly Damaging"; Align-GVGD: "Class C0"). Algorithms developed to predict the effect of sequence changes on RNA splicing suggest that this variant may create or strengthen a splice site. In summary, the available evidence is currently insufficient to determine the role of this variant in disease. Therefore, it has been classified as a Variant of Uncertain Significance.

Fulgent Genetics
Classification: Uncertain significance for Joubert syndrome 7; Meckel syndrome, type 5; COACH syndrome 3. Last evaluated: 2022-05-05. Review status: criteria provided, single submitter. Criteria: ACMG Guidelines, 2015. Collection method: clinical testing. Allele origin: unknown.

Natera, Inc.
Classification: Uncertain significance for Joubert syndrome. Last evaluated: 2020-09-16. Review status: no assertion criteria provided. Collection method: clinical testing. Allele origin: germline. Not counted in ClinVar's aggregate classification.